The following is an entry in ClinVar:

NM_004370.6(COL12A1):c.6808G>C (p.Val2270Leu)

Gene: COL12A1 (collagen type XII alpha 1 chain; minus strand). Cytogenetic location: 6q13.
Variant type: single nucleotide variant.
Coding change: c.6808G>C on transcript NM_004370.6 (MANE Select); coding-DNA position 6808, G replaced by C.
Protein change: p.Val2270Leu; replaces valine 2270 with leucine.
Molecular consequence: missense variant.
Genome position (GRCh38, 1-based): chr6:75,124,011, C>G on the plus strand (G>C on the coding strand, the complement: COL12A1 is on the minus strand). VCF-style: chr6-75124011-C-G. GRCh37 (hg19) VCF-style: chr6-75833727-C-G.
Other names: c.3316G>C, p.Val1106Leu (NM_080645.3); short protein forms V1106L, V2270L.
Identifiers: ClinVar variation 948027 (VCV000948027.10), dbSNP rs1765882595, ClinGen allele CA364728468.

ClinVar aggregate classification (germline): Uncertain significance (1 of 4 stars; one submission).

Conditions:
Ullrich congenital muscular dystrophy 2 (UCMD2). Identifiers: Orphanet 75840, MedGen C4225314, MONDO:0014654, OMIM 616470.
Bethlem myopathy 2 (BTHLM2). Identifiers: Orphanet 536516, Orphanet 610, MedGen C4225313, MONDO:0034022, OMIM 616471.

Allele frequency attached by ClinVar (database versions not stated): gnomAD exomes below 0.00001.
gnomAD v4.1: 1 of 1,613,908 alleles (0.000062%); highest among the groups gnomAD compares: Non-Finnish European, 0.000085%; no homozygotes.

Submission:

Labcorp Genetics (formerly Invitae), Labcorp
Classification: Uncertain significance for Bethlem myopathy 2; Ullrich congenital muscular dystrophy 2. Last evaluated: 2019-05-22. Review status: criteria provided, single submitter. Criteria: Invitae Variant Classification Sherloc (09022015). Collection method: clinical testing. Allele origin: germline.
Comment: This variant is not present in population databases (ExAC no frequency). In summary, the available evidence is currently insufficient to determine the role of this variant in disease. Therefore, it has been classified as a Variant of Uncertain Significance. Algorithms developed to predict the effect of missense changes on protein structure and function (SIFT, PolyPhen-2, Align-GVGD) all suggest that this variant is likely to be tolerated, but these predictions have not been confirmed by published functional studies and their clinical significance is uncertain. This variant has not been reported in the literature in individuals with COL12A1-related conditions. This sequence change replaces valine with leucine at codon 2270 of the COL12A1 protein (p.Val2270Leu). The valine residue is moderately conserved and there is a small physicochemical difference between valine and leucine.